The following is an entry in ClinVar:

NM_002519.3(NPAT):c.331+4G>A

Gene: NPAT (nuclear protein, coactivator of histone transcription; minus strand). Cytogenetic location: 11q22.3.
Variant type: single nucleotide variant.
Coding change: c.331+4G>A on transcript NM_002519.3 (MANE Select); 4 bases into the intron after coding-DNA position 331, G replaced by A.
Molecular consequence: intron variant.
Genome position (GRCh38, 1-based): chr11:108,190,456, C>T on the plus strand (G>A on the coding strand, the complement: NPAT is on the minus strand). VCF-style: chr11-108190456-C-T. GRCh37 (hg19) VCF-style: chr11-108061183-C-T.
Other names: c.331+4G>A (NM_001321307.1).
Identifiers: ClinVar variation 2887872 (VCV002887872.3), dbSNP rs373161441, ClinGen allele CA6264329.

ClinVar aggregate classification (germline): Uncertain significance (1 of 4 stars; one submission).

Allele frequency attached by ClinVar (database versions not stated): gnomAD exomes 0.00001; ExAC 0.00003; gnomAD 0.00011; TOPMed 0.00011; 1000 Genomes Project 0.00020; 1000 Genomes Project 30x 0.00031; ESP Exome Variant Server 0.00034.

Submission:

Labcorp Genetics (formerly Invitae), Labcorp
Classification: Uncertain significance. Last evaluated: 2023-06-03. Review status: criteria provided, single submitter. Criteria: Invitae Variant Classification Sherloc (09022015). Collection method: clinical testing. Allele origin: germline.
Comment: In summary, the available evidence is currently insufficient to determine the role of this variant in disease. Therefore, it has been classified as a Variant of Uncertain Significance. Variants that disrupt the consensus splice site are a relatively common cause of aberrant splicing (PMID: 17576681, 9536098). Algorithms developed to predict the effect of sequence changes on RNA splicing suggest that this variant is not likely to affect RNA splicing. This variant has not been reported in the literature in individuals affected with NPAT-related conditions. This variant is present in population databases (rs373161441, gnomAD 0.03%). This sequence change falls in intron 5 of the NPAT gene. It does not directly change the encoded amino acid sequence of the NPAT protein. It affects a nucleotide within the consensus splice site.

Literature cited by the submitters: PubMed 17576681; PubMed 9536098.